The following is an entry in ClinVar:

ClinVar aggregate classification (germline): Conflicting classifications of pathogenicity. Review status: criteria provided, conflicting classifications (1 of 4 stars). 5 submissions from 5 submitters: Uncertain significance (4); Likely benign (1). Last evaluated 2025-07-15.

Conditions:
Hereditary cancer-predisposing syndrome. Also called: Hereditary neoplastic syndrome; Tumor predisposition; Neoplastic Syndromes, Hereditary; Hereditary Cancer Syndrome. Identifiers: Orphanet 140162, MedGen C0027672, MeSH D009386, MONDO:0015356.
Hereditary breast ovarian cancer syndrome. Also called: Hereditary breast and ovarian cancer; Hereditary breast and/or ovarian cancer syndrome; Hereditary breast and ovarian cancer syndrome; Hereditary breast and ovarian cancer syndrome (HBOC); Breast and ovarian cancer; BRCA1- and BRCA2-Associated Hereditary Breast and Ovarian Cancer. Identifiers: Orphanet 145, MedGen C0677776, MeSH D061325, MONDO:0003582. Disease mechanism: loss of function.

Submissions (5):

Color Diagnostics, LLC DBA Color Health
Classification: Uncertain significance for Hereditary cancer-predisposing syndrome. Last evaluated: 2025-07-15. Review status: criteria provided, single submitter. Criteria: ACMG Guidelines, 2015. Collection method: clinical testing. Allele origin: germline.
Comment: This missense variant replaces serine with tyrosine at codon 889 of the BRCA1 protein. Computational prediction suggests that this variant may not impact protein structure and function. To our knowledge, functional studies have not been reported for this variant. This variant has not been reported in individuals affected with BRCA1-related disorders in the literature. This variant has not been identified in the general population by the Genome Aggregation Database (gnomAD). The available evidence is insufficient to determine the role of this variant in disease conclusively. Therefore, this variant is classified as a Variant of Uncertain Significance.

Ambry Genetics
Classification: Uncertain significance for Hereditary cancer-predisposing syndrome. Last evaluated: 2023-10-03. Review status: criteria provided, single submitter. Criteria: Ambry Variant Classification Scheme 2023. Collection method: clinical testing. Allele origin: germline.
Comment: The p.S889Y variant (also known as c.2666C>A), located in coding exon 9 of the BRCA1 gene, results from a C to A substitution at nucleotide position 2666. The serine at codon 889 is replaced by tyrosine, an amino acid with dissimilar properties. This amino acid position is well conserved in available vertebrate species. In addition, the in silico prediction for this alteration is inconclusive. Since supporting evidence is limited at this time, the clinical significance of this alteration remains unclear.

University of Washington Department of Laboratory Medicine, University of Washington
Classification: Likely benign for Hereditary cancer-predisposing syndrome. Last evaluated: 2023-03-23. Review status: criteria provided, single submitter. Criteria: Dines et al. (Genet Med. 2020). Collection method: curation. Allele origin: germline.
Comment: Missense variant in a coldspot region where missense variants are very unlikely to be pathogenic (PMID:31911673).

BRCA1 coldspot (exon 11 using historical exon numbering). Reclassification based on statistical prior probability

Labcorp Genetics (formerly Invitae), Labcorp
Classification: Uncertain significance for Hereditary breast ovarian cancer syndrome. Last evaluated: 2021-10-31. Review status: criteria provided, single submitter. Criteria: Invitae Variant Classification Sherloc (09022015). Collection method: clinical testing. Allele origin: germline.
Comment: This sequence change replaces serine, which is neutral and polar, with tyrosine, which is neutral and polar, at codon 889 of the BRCA1 protein (p.Ser889Tyr). This variant is not present in population databases (gnomAD no frequency). This variant has not been reported in the literature in individuals affected with BRCA1-related conditions. ClinVar contains an entry for this variant (Variation ID: 420729). Advanced modeling of protein sequence and biophysical properties (such as structural, functional, and spatial information, amino acid conservation, physicochemical variation, residue mobility, and thermodynamic stability) performed at Invitae indicates that this missense variant is not expected to disrupt BRCA1 protein function. In summary, the available evidence is currently insufficient to determine the role of this variant in disease. Therefore, it has been classified as a Variant of Uncertain Significance.

GeneDx
Classification: Uncertain significance. Last evaluated: 2016-03-21. Review status: criteria provided, single submitter. Criteria: GeneDx Variant Classification (06012015). Collection method: clinical testing. Allele origin: germline. Affected: yes.
Comment: This variant is denoted BRCA1 c.2666C>A at the cDNA level, p.Ser889Tyr (S889Y) at the protein level, and results in the change of a Serine to a Tyrosine (TCT>TAT). Using alternate nomenclature, this variant would be defined as BRCA1 2785C>A. This variant has not, to our knowledge, been published in the literature as pathogenic or benign. BRCA1 Ser889Tyr was not observed in approximately 6,500 individuals of European and African American ancestry in the NHLBI Exome Sequencing Project, suggesting it is not a common benign variant in these populations. Since Serine and Tyrosine differ in some properties, this is considered a semi-conservative amino acid substitution. BRCA1 Ser889Tyr occurs at a position that is not conserved and is located in the DNA Binding domain (Narod 2004). In silico analyses are inconsistent regarding the effect this variant may have on protein structure and function. Based on currently available evidence, it is unclear whether BRCA1 Ser889Tyr is a pathogenic or benign variant. We consider it to be a variant of uncertain significance.

NM_007294.4(BRCA1):c.2666C>A (p.Ser889Tyr)

Gene: BRCA1 (BRCA1 DNA repair associated; minus strand). Cytogenetic location: 17q21.31.
Variant type: single nucleotide variant.
Coding change: c.2666C>A on transcript NM_007294.4 (MANE Select); coding-DNA position 2666, C replaced by A.
Protein change: p.Ser889Tyr; replaces serine 889 with tyrosine.
Molecular consequence: missense variant. On other transcripts: intron variant (137).
Genome position (GRCh38, 1-based): chr17:43,092,865, G>T on the plus strand (C>A on the coding strand, the complement: BRCA1 is on the minus strand). VCF-style: chr17-43092865-G-T. GRCh37 (hg19) VCF-style: chr17-41244882-G-T.
Other names: c.2525C>A, p.Ser842Tyr (NM_007297.4, NM_001407692.1, NM_001407694.1 and 29 more transcripts); c.2666C>A, p.Ser889Tyr (NM_007300.4, NM_001407581.1, NM_001407582.1 and 30 more transcripts); c.647-1833C>A (NM_001408458.1, NM_001408469.1, NM_001408453.1 and 11 more transcripts); c.284-1833C>A (NM_001408512.1); c.407-1833C>A (NM_001408510.1); c.644-1833C>A (NM_001408470.1, NM_001408464.1, NM_001408468.1 and 3 more transcripts); c.785-1833C>A (NM_001408397.1, NM_001408401.1, NM_001408396.1 and 13 more transcripts); c.665-1833C>A (NM_001408436.1, NM_001408444.1, NM_001408438.1 and 12 more transcripts); and 41 more; short protein forms S889Y, S842Y, S762Y, S800Y, S801Y, S847Y, S848Y, S888Y.
Identifiers: ClinVar variation 420729 (VCV000420729.12), dbSNP rs769712441, ClinGen allele CA10596663.